The following is an entry in ClinVar:

ClinVar aggregate classification (germline): Uncertain significance (1 of 4 stars; one submission).

Conditions:
Hereditary cancer-predisposing syndrome. Also called: Neoplastic Syndromes, Hereditary; Hereditary Cancer Syndrome; Tumor predisposition; Hereditary neoplastic syndrome. Identifiers: Orphanet 140162, MedGen C0027672, MeSH D009386, MONDO:0015356.

gnomAD v4.1: 1 of 1,613,814 alleles (0.000062%); no homozygotes.

Submission:

Ambry Genetics
Classification: Uncertain significance for Hereditary cancer-predisposing syndrome. Last evaluated: 2025-02-02. Review status: criteria provided, single submitter. Criteria: Ambry Variant Classification Scheme 2023. Collection method: clinical testing. Allele origin: germline.
Comment: The p.D368V variant (also known as c.1103A>T), located in coding exon 8 of the RAD50 gene, results from an A to T substitution at nucleotide position 1103. The aspartic acid at codon 368 is replaced by valine, an amino acid with highly dissimilar properties. This amino acid position is conserved. In addition, the in silico prediction for this alteration is inconclusive. Based on the available evidence, the clinical significance of this variant remains unclear.

NM_005732.4(RAD50):c.1103A>T (p.Asp368Val)

Gene: RAD50 (RAD50 double strand break repair protein; plus strand). Cytogenetic location: 5q31.1.
Variant type: single nucleotide variant.
Coding change: c.1103A>T on transcript NM_005732.4 (MANE Select); coding-DNA position 1103, A replaced by T.
Protein change: p.Asp368Val; replaces aspartic acid 368 with valine.
Molecular consequence: missense variant.
Genome position (GRCh38, 1-based): chr5:132,588,738, A>T. VCF-style: chr5-132588738-A-T. GRCh37 (hg19) VCF-style: chr5-131924430-A-T.
Other names: short protein forms D368V.
Identifiers: ClinVar variation 3786307 (VCV003786307.1).